The following is an entry in ClinVar:

NM_145290.4(ADGRA3):c.797C>T (p.Ala266Val)

Gene: ADGRA3 (adhesion G protein-coupled receptor A3; minus strand). Cytogenetic location: 4p15.2.
Variant type: single nucleotide variant.
Coding change: c.797C>T on transcript NM_145290.4 (MANE Select); coding-DNA position 797, C replaced by T.
Protein change: p.Ala266Val; replaces alanine 266 with valine.
Molecular consequence: missense variant.
Genome position (GRCh38, 1-based): chr4:22,442,773, G>A on the plus strand (C>T on the coding strand, the complement: ADGRA3 is on the minus strand). VCF-style: chr4-22442773-G-A. GRCh37 (hg19) VCF-style: chr4-22444396-G-A.
Other names: short protein forms A266V.
Identifiers: ClinVar variation 1717705 (VCV001717705.5), dbSNP rs2474794855, ClinGen allele CA356477332.

ClinVar aggregate classification (germline): Uncertain significance (1 of 4 stars; one submission).

Submission:

Labcorp Genetics (formerly Invitae), Labcorp
Classification: Uncertain significance. Last evaluated: 2022-10-17. Review status: criteria provided, single submitter. Criteria: Invitae Variant Classification Sherloc (09022015). Collection method: clinical testing. Allele origin: germline.
Comment: This variant is not present in population databases (gnomAD no frequency). This sequence change replaces alanine, which is neutral and non-polar, with valine, which is neutral and non-polar, at codon 266 of the ADGRA3 protein (p.Ala266Val). This variant has not been reported in the literature in individuals affected with ADGRA3-related conditions. In summary, the available evidence is currently insufficient to determine the role of this variant in disease. Therefore, it has been classified as a Variant of Uncertain Significance. Algorithms developed to predict the effect of missense changes on protein structure and function are either unavailable or do not agree on the potential impact of this missense change (SIFT: "Deleterious"; PolyPhen-2: "Probably Damaging"; Align-GVGD: "Class C0").